The following is an entry in ClinVar:

NM_000929.3(PLA2G5):c.124G>A (p.Gly42Ser)

Gene: PLA2G5 (phospholipase A2 group V; plus strand). Cytogenetic location: 1p36.13.
Variant type: single nucleotide variant.
Coding change: c.124G>A on transcript NM_000929.3 (MANE Select); coding-DNA position 124, G replaced by A.
Protein change: p.Gly42Ser; replaces glycine 42 with serine.
Molecular consequence: missense variant.
Genome position (GRCh38, 1-based): chr1:20,086,166, G>A. VCF-style: chr1-20086166-G-A. GRCh37 (hg19) VCF-style: chr1-20412659-G-A.
Other names: short protein forms G42S.
Identifiers: ClinVar variation 1516122 (VCV001516122.6), dbSNP rs1031628964, ClinGen allele CA18907889.

ClinVar aggregate classification (germline): Uncertain significance (1 of 4 stars; one submission).

Allele frequency attached by ClinVar (database versions not stated): gnomAD exomes below 0.00001; TOPMed 0.00002.

Submission:

Labcorp Genetics (formerly Invitae), Labcorp
Classification: Uncertain significance. Last evaluated: 2023-08-23. Review status: criteria provided, single submitter. Criteria: Invitae Variant Classification Sherloc (09022015). Collection method: clinical testing. Allele origin: germline.
Comment: ClinVar contains an entry for this variant (Variation ID: 1516122). This variant has not been reported in the literature in individuals affected with PLA2G5-related conditions. This variant is present in population databases (no rsID available, gnomAD 0.0009%). This sequence change replaces glycine, which is neutral and non-polar, with serine, which is neutral and polar, at codon 42 of the PLA2G5 protein (p.Gly42Ser). In summary, the available evidence is currently insufficient to determine the role of this variant in disease. Therefore, it has been classified as a Variant of Uncertain Significance. Algorithms developed to predict the effect of missense changes on protein structure and function output the following: SIFT: "Not Available"; PolyPhen-2: "Possibly Damaging"; Align-GVGD: "Not Available". The serine amino acid residue is found in multiple mammalian species, which suggests that this missense change does not adversely affect protein function.